The following is an entry in ClinVar:

NM_021871.4(FGA):c.55-1G>T

Gene: FGA (fibrinogen alpha chain; minus strand). Cytogenetic location: 4q31.3.
Variant type: single nucleotide variant.
Coding change: c.55-1G>T on transcript NM_021871.4 (MANE Select); the canonical splice acceptor site of the intron before coding-DNA position 55, G replaced by T.
Molecular consequence: splice acceptor variant.
Genome position (GRCh38, 1-based): chr4:154,589,563, C>A on the plus strand (G>T on the coding strand, the complement: FGA is on the minus strand). VCF-style: chr4-154589563-C-A. GRCh37 (hg19) VCF-style: chr4-155510715-C-A.
Other names: p.?; c.55-1G>T (NM_000508.5).
Identifiers: ClinVar variation 3391441 (VCV003391441.1).

ClinVar aggregate classification (germline): Likely pathogenic (1 of 4 stars; one submission).

Submission:

Mayo Clinic Laboratories, Mayo Clinic
Classification: Likely pathogenic. Last evaluated: 2023-10-13. Review status: criteria provided, single submitter. Criteria: ACMG Guidelines, 2015. Collection method: clinical testing. Allele origin: germline.
Comment: PM2_moderate, PVS1_strong